The following is an entry in ClinVar:

NM_007289.4(MME):c.1601+4C>T

Gene: MME (membrane metalloendopeptidase; plus strand). Cytogenetic location: 3q25.2.
Variant type: single nucleotide variant.
Coding change: c.1601+4C>T on transcript NM_007289.4 (MANE Select); 4 bases into the intron after coding-DNA position 1601, C replaced by T.
Molecular consequence: intron variant.
Genome position (GRCh38, 1-based): chr3:155,148,657, C>T. VCF-style: chr3-155148657-C-T. GRCh37 (hg19) VCF-style: chr3-154866446-C-T.
Other names: c.1601+4C>T (NM_001354642.2, NM_000902.5, NM_007287.4 and 2 more transcripts).
Identifiers: ClinVar variation 2691702 (VCV002691702.1), dbSNP rs938308601, ClinGen allele CA85833949.
Genomic context (GRCh38, chr3:155,148,657, plus strand): 5'-GAAATTCAGCCAAAGTAAACAACTGAAGAAGCTCCGAGAAAAGGTGGACAAAGATGAGTG[C>T]GTATATTCTCATTTCTAATGTGATCATCTAGAAGCAGGTCTTTCCCTCCTTTCTTTGTTG-3'

ClinVar aggregate classification (germline): Uncertain significance (1 of 4 stars; one submission).

Allele frequency attached by ClinVar (database versions not stated): gnomAD 0.00001; gnomAD exomes 0.00001; TOPMed 0.00001.
gnomAD v4.1: 11 of 1,594,290 alleles (0.00069%); highest among the groups gnomAD compares: African/African-American, 0.0027%; no homozygotes.

Submission:

Women's Health and Genetics/Laboratory Corporation of America, LabCorp
Classification: Uncertain significance. Last evaluated: 2023-12-14. Review status: criteria provided, single submitter. Criteria: LabCorp Variant Classification Summary - May 2015. Collection method: clinical testing. Allele origin: germline.
Comment: Variant summary: MME c.1601+4C>T alters a conserved nucleotide located close to a canonical splice site and therefore could affect mRNA splicing, leading to a significantly altered protein sequence. Consensus agreement among computation tools predict no significant impact on normal splicing. However, these predictions have yet to be confirmed by functional studies. The variant allele was found at a frequency of 4e-06 in 250578 control chromosomes. The available data on variant occurrences in the general population are insufficient to allow any conclusion about variant significance. To our knowledge, no occurrence of c.1601+4C>T in individuals affected with Charcot-Marie Disease Axonal Type 2T and no experimental evidence demonstrating its impact on protein function have been reported. No submitters have cited clinical-significance assessments for this variant to ClinVar after 2014. Based on the evidence outlined above, the variant was classified as uncertain significance.